The following is an entry in ClinVar:

ClinVar aggregate classification (germline): Conflicting classifications of pathogenicity. Review status: criteria provided, conflicting classifications (1 of 4 stars). 3 submissions from 3 submitters: Uncertain significance (2); Likely benign (1). Last evaluated 2024-09-20.

Conditions:
Developmental and epileptic encephalopathy, 46 (DEE46). Also called: GRIN2D-Related Developmental and Epileptic Encephalopathy; Epileptic encephalopathy, early infantile, 46. Identifiers: MedGen C4310687, MONDO:0014947, OMIM 617162.

Submissions (3):

3billion
Classification: Likely benign for Developmental and epileptic encephalopathy, 46. Last evaluated: 2024-09-20. Review status: criteria provided, single submitter. Criteria: ACMG Guidelines, 2015. Collection method: clinical testing. Allele origin: germline. Affected: no.
Comment: The variant was identified in at least one patient who was diagnosed with a different variant in another gene and showed no symptoms related to the gene containing the variant in question.

CeGaT Center for Human Genetics Tuebingen
Classification: Uncertain significance. Last evaluated: 2023-10-01. Review status: criteria provided, single submitter. Criteria: CeGaT Center For Human Genetics Tuebingen Variant Classification Criteria Version 2. Collection method: clinical testing. Allele origin: germline. Affected: yes. Observed: 1 variant allele.
Comment: GRIN2D: PM2, PP2

Labcorp Genetics (formerly Invitae), Labcorp
Classification: Uncertain significance. Last evaluated: 2023-03-14. Review status: criteria provided, single submitter. Criteria: Invitae Variant Classification Sherloc (09022015). Collection method: clinical testing. Allele origin: germline.
Comment: In summary, the available evidence is currently insufficient to determine the role of this variant in disease. Therefore, it has been classified as a Variant of Uncertain Significance. Advanced modeling of protein sequence and biophysical properties (such as structural, functional, and spatial information, amino acid conservation, physicochemical variation, residue mobility, and thermodynamic stability) performed at Invitae indicates that this missense variant is not expected to disrupt GRIN2D protein function. This variant has not been reported in the literature in individuals affected with GRIN2D-related conditions. The frequency data for this variant in the population databases is considered unreliable, as metrics indicate insufficient coverage at this position in the gnomAD database. This sequence change replaces alanine, which is neutral and non-polar, with serine, which is neutral and polar, at codon 1079 of the GRIN2D protein (p.Ala1079Ser).

NM_000836.4(GRIN2D):c.3235G>T (p.Ala1079Ser)

Gene: GRIN2D (glutamate ionotropic receptor NMDA type subunit 2D; plus strand). Cytogenetic location: 19q13.33.
Variant type: single nucleotide variant.
Coding change: c.3235G>T on transcript NM_000836.4 (MANE Select); coding-DNA position 3235, G replaced by T.
Protein change: p.Ala1079Ser; replaces alanine 1079 with serine.
Molecular consequence: missense variant.
Genome position (GRCh38, 1-based): chr19:48,443,161, G>T. VCF-style: chr19-48443161-G-T. GRCh37 (hg19) VCF-style: chr19-48946418-G-T.
Other names: short protein forms A1079S.
Identifiers: ClinVar variation 2672780 (VCV002672780.26), dbSNP rs1229439041, ClinGen allele CA406675162.